The following is an entry in ClinVar:

ClinVar aggregate classification (germline): Benign (0 of 4 stars; one submission).

Conditions:
XIST-related disorder. Also called: XIST-related condition.

Allele frequency attached by ClinVar (database versions not stated): ExAC 0.02026; ESP Exome Variant Server 0.04642; 1000 Genomes Project 0.05060; TOPMed 0.05089; 1000 Genomes Project 30x 0.05598.
gnomAD v4.1: 8,223 of 537,654 alleles (1.5%); highest among the groups gnomAD compares: African/African-American, 15%; 386 homozygotes.

Submission:

PreventionGenetics, part of Exact Sciences
Classification: Benign for XIST-related condition. Last evaluated: 2020-01-20. Review status: no assertion criteria provided. Collection method: clinical testing. Allele origin: germline.
Comment: This variant is classified as benign based on ACMG/AMP sequence variant interpretation guidelines (Richards et al. 2015 PMID: 25741868, with internal and published modifications).

NR_001564.3(XIST):n.2300G>A

Gene: XIST (X inactive specific transcript; minus strand). Cytogenetic location: Xq13.2.
Variant type: single nucleotide variant.
Genome position: GRCh38 VCF-style: chrX-73850415-C-T. GRCh37 (hg19) VCF-style: chrX-73070250-C-T.
Identifiers: ClinVar variation 3039382 (VCV003039382.2), dbSNP rs113875722, ClinGen allele CA10453758.
Genomic context (GRCh38, chrX:73,850,415, plus strand): 5'-TAAATGTAATTAAAGTGAATTCTACAAATAAAGCCTCTTAATACATTTCTATAATAGTCA[C>T]TTAAGACTTAAATTCAAACACTAGCAAACCACAAAATCAGACTGTATGACTGACATCCAA-3'